The following is an entry in ClinVar:

NM_001385012.1(NBEA):c.4910G>A (p.Gly1637Asp)

Gene: NBEA (neurobeachin; plus strand). Cytogenetic location: 13q13.3.
Variant type: single nucleotide variant.
Coding change: c.4910G>A on transcript NM_001385012.1 (MANE Select); coding-DNA position 4910, G replaced by A.
Protein change: p.Gly1637Asp; replaces glycine 1637 with aspartic acid.
Molecular consequence: missense variant.
Genome position (GRCh38, 1-based): chr13:35,184,054, G>A. VCF-style: chr13-35184054-G-A. GRCh37 (hg19) VCF-style: chr13-35758191-G-A.
Other names: c.4901G>A, p.Gly1634Asp (NM_001379245.1); c.4910G>A, p.Gly1637Asp (NM_015678.5); short protein forms G1634D, G1637D.
Identifiers: ClinVar variation 5039705 (VCV005039705.1).

ClinVar aggregate classification (germline): Likely benign (1 of 4 stars; one submission).

gnomAD v4.1: 8 of 1,610,542 alleles (0.0005%); highest among the groups gnomAD compares: Admixed American, 0.0084%; no homozygotes.

Submission:

CeGaT Center for Human Genetics Tuebingen
Classification: Likely benign. Last evaluated: 2026-08-01. Review status: criteria provided, single submitter. Criteria: CeGaT Center For Human Genetics Tuebingen Variant Classification Criteria Version 2. Collection method: clinical testing. Allele origin: germline. Affected: yes. Observed: 1 variant allele.
Comment: NBEA: BS2